The following is an entry in ClinVar:

ClinVar aggregate classification (germline): Uncertain significance (1 of 4 stars; one submission).

Conditions:
Hypomagnesemia, seizures, and impaired intellectual development 2. Also called: Hypomagnesemia, seizures, and intellectual disability 2. Identifiers: MedGen C5193023, MONDO:0020788, OMIM 618314.

Submission:

MVZ Medizinische Genetik Mainz
Classification: Uncertain significance for Hypomagnesemia, seizures, and impaired intellectual development 2. Last evaluated: 2026-07-21. Review status: criteria provided, single submitter. Criteria: UK Practice Guidelines For Variant Classification V4 01 2020. Collection method: clinical testing. Allele origin: germline. Inheritance: Autosomal dominant inheritance. Affected: yes. Observed: 1 variant allele.
Comment: ACMG Criteria: PP3_STR,PM2_SUP

NM_000701.8(ATP1A1):c.1118T>A (p.Ile373Asn)

Gene: ATP1A1 (ATPase Na+/K+ transporting subunit alpha 1; plus strand). Cytogenetic location: 1p13.1.
Variant type: single nucleotide variant.
Coding change: c.1118T>A on transcript NM_000701.8 (MANE Select); coding-DNA position 1118, T replaced by A.
Protein change: p.Ile373Asn; replaces isoleucine 373 with asparagine.
Molecular consequence: missense variant.
Genome position (GRCh38, 1-based): chr1:116,390,307, T>A. VCF-style: chr1-116390307-T-A. GRCh37 (hg19) VCF-style: chr1-116932929-T-A.
Other names: c.1118T>A, p.Ile373Asn (NM_001160233.2); c.1025T>A, p.Ile342Asn (NM_001160234.2); short protein forms I342N, I373N.
Identifiers: ClinVar variation 4887026 (VCV004887026.1).